The following is an entry in ClinVar:

NM_000632.4(ITGAM):c.628A>G (p.Asn210Asp)

Gene: ITGAM (integrin subunit alpha M; plus strand). Cytogenetic location: 16p11.2.
Variant type: single nucleotide variant.
Coding change: c.628A>G on transcript NM_000632.4 (MANE Select); coding-DNA position 628, A replaced by G.
Protein change: p.Asn210Asp; replaces asparagine 210 with aspartic acid.
Molecular consequence: missense variant.
Genome position (GRCh38, 1-based): chr16:31,271,916, A>G. VCF-style: chr16-31271916-A-G. GRCh37 (hg19) VCF-style: chr16-31283237-A-G.
Other names: c.628A>G, p.Asn210Asp (NM_001145808.2); short protein forms N210D.
Identifiers: ClinVar variation 1412199 (VCV001412199.6), dbSNP rs773912072, ClinGen allele CA8025288.

ClinVar aggregate classification (germline): Uncertain significance (1 of 4 stars; one submission).

Allele frequency attached by ClinVar (database versions not stated): gnomAD exomes below 0.00001; ExAC 0.00001; gnomAD 0.00002 and 0.00003; TOPMed 0.00002.
gnomAD v4.1: 6 of 1,613,888 alleles (0.00037%); highest among the groups gnomAD compares: African/African-American, 0.004%; no homozygotes.

Submission:

Labcorp Genetics (formerly Invitae), Labcorp
Classification: Uncertain significance. Last evaluated: 2024-04-25. Review status: criteria provided, single submitter. Criteria: Invitae Variant Classification Sherloc (09022015). Collection method: clinical testing. Allele origin: germline.
Comment: This sequence change replaces asparagine, which is neutral and polar, with aspartic acid, which is acidic and polar, at codon 210 of the ITGAM protein (p.Asn210Asp). This variant is not present in population databases (gnomAD no frequency). This variant has not been reported in the literature in individuals affected with ITGAM-related conditions. ClinVar contains an entry for this variant (Variation ID: 1412199). Algorithms developed to predict the effect of missense changes on protein structure and function output the following: SIFT: "Not Available"; PolyPhen-2: "Benign"; Align-GVGD: "Not Available". The aspartic acid amino acid residue is found in multiple mammalian species, which suggests that this missense change does not adversely affect protein function. In summary, the available evidence is currently insufficient to determine the role of this variant in disease. Therefore, it has been classified as a Variant of Uncertain Significance.